The following is an entry in ClinVar:

NM_006118.4(HAX1):c.103G>A (p.Glu35Lys)

Gene: HAX1 (HCLS1 associated protein X-1; plus strand). Cytogenetic location: 1q21.3.
Variant type: single nucleotide variant.
Coding change: c.103G>A on transcript NM_006118.4 (MANE Select); coding-DNA position 103, G replaced by A.
Protein change: p.Glu35Lys; replaces glutamic acid 35 with lysine.
Molecular consequence: missense variant. On other transcripts: intron variant (1).
Genome position (GRCh38, 1-based): chr1:154,273,385, G>A. VCF-style: chr1-154273385-G-A. GRCh37 (hg19) VCF-style: chr1-154245861-G-A.
Other names: c.54-95G>A (NM_001018837.2); short protein forms E35K.
Identifiers: ClinVar variation 3856857 (VCV003856857.1).

ClinVar aggregate classification (germline): Uncertain significance (1 of 4 stars; one submission).

Conditions:
Inborn genetic diseases. Identifiers: MedGen C0950123, MeSH D030342.

Submission:

Ambry Genetics
Classification: Uncertain significance for Inborn genetic diseases. Last evaluated: 2024-12-15. Review status: criteria provided, single submitter. Criteria: Ambry Variant Classification Scheme 2023. Collection method: clinical testing. Allele origin: germline.
Comment: The p.E35K variant (also known as c.103G>A), located in coding exon 2 of the HAX1 gene, results from a G to A substitution at nucleotide position 103. The glutamic acid at codon 35 is replaced by lysine, an amino acid with similar properties. This amino acid position is conserved. In addition, this alteration is predicted to be tolerated by in silico analysis. Based on the available evidence, the clinical significance of this variant remains unclear.